The following is an entry in ClinVar:

NM_177438.3(DICER1):c.3653C>A (p.Ser1218Tyr)

Gene: DICER1 (dicer 1, ribonuclease III; minus strand). Cytogenetic location: 14q32.13.
Variant type: single nucleotide variant.
Coding change: c.3653C>A on transcript NM_177438.3 (MANE Select); coding-DNA position 3653, C replaced by A.
Protein change: p.Ser1218Tyr; replaces serine 1218 with tyrosine.
Molecular consequence: missense variant.
Genome position (GRCh38, 1-based): chr14:95,103,743, G>T on the plus strand (C>A on the coding strand, the complement: DICER1 is on the minus strand). VCF-style: chr14-95103743-G-T. GRCh37 (hg19) VCF-style: chr14-95570080-G-T.
Other names: c.3653C>A, p.Ser1218Tyr (NM_001195573.1, NM_001271282.3, NM_001291628.2 and 1 more transcripts); short protein forms S1218Y.
Identifiers: ClinVar variation 582043 (VCV000582043.10), dbSNP rs1197755223, ClinGen allele CA390874521.

ClinVar aggregate classification (germline): Uncertain significance (1 of 4 stars; one submission).

Conditions:
DICER1-related tumor predisposition. Also called: DICER1 syndrome; DICER1-related pleuropulmonary blastoma cancer predisposition syndrome. Identifiers: Orphanet 284343, MedGen C3839822, MONDO:0100216.

Submission:

Labcorp Genetics (formerly Invitae), Labcorp
Classification: Uncertain significance for DICER1-related tumor predisposition. Last evaluated: 2025-01-06. Review status: criteria provided, single submitter. Criteria: Invitae Variant Classification Sherloc (09022015). Collection method: clinical testing. Allele origin: germline.
Comment: This sequence change replaces serine, which is neutral and polar, with tyrosine, which is neutral and polar, at codon 1218 of the DICER1 protein (p.Ser1218Tyr). This variant is not present in population databases (gnomAD no frequency). This variant has not been reported in the literature in individuals affected with DICER1-related conditions. ClinVar contains an entry for this variant (Variation ID: 582043). Invitae Evidence Modeling of protein sequence and biophysical properties (such as structural, functional, and spatial information, amino acid conservation, physicochemical variation, residue mobility, and thermodynamic stability) indicates that this missense variant is not expected to disrupt DICER1 protein function with a negative predictive value of 95%. In summary, the available evidence is currently insufficient to determine the role of this variant in disease. Therefore, it has been classified as a Variant of Uncertain Significance.